The following is an entry in ClinVar:

ClinVar aggregate classification (germline): Conflicting classifications of pathogenicity. Review status: criteria provided, conflicting classifications (1 of 4 stars). 4 submissions from 4 submitters: Uncertain significance (2); Likely benign (2). Last evaluated 2025-07-31.

Conditions:
POLD1-related polyposis and colorectal cancer syndrome (CRCS10). Also called: COLORECTAL CANCER, SUSCEPTIBILITY TO, ON CHROMOSOME 19q; Colorectal cancer 10; Colorectal cancer, susceptibility to, 10. Identifiers: Orphanet 220460, MedGen C2675481, MONDO:0012953, OMIM 612591.
Hereditary cancer-predisposing syndrome. Also called: Hereditary Cancer Syndrome; Neoplastic Syndromes, Hereditary; Hereditary neoplastic syndrome; Tumor predisposition. Identifiers: Orphanet 140162, MedGen C0027672, MeSH D009386, MONDO:0015356.

Allele frequency attached by ClinVar (database versions not stated): gnomAD 0.00001; gnomAD exomes 0.00001; TOPMed 0.00002.
gnomAD v4.1: 11 of 1,597,450 alleles (0.00069%); highest among the groups gnomAD compares: African/African-American, 0.004%; no homozygotes.

Submissions (4):

Labcorp Genetics (formerly Invitae), Labcorp
Classification: Likely benign for POLD1-related polyposis and colorectal cancer syndrome. Last evaluated: 2025-07-31. Review status: criteria provided, single submitter. Criteria: Invitae Variant Classification Sherloc (09022015). Collection method: clinical testing. Allele origin: germline.

GeneDx
Classification: Uncertain significance. Last evaluated: 2023-11-01. Review status: criteria provided, single submitter. Criteria: GeneDx Variant Classification Process June 2021. Collection method: clinical testing. Allele origin: germline. Affected: yes.
Comment: Not observed at significant frequency in large population cohorts (gnomAD); Has not been previously published as pathogenic or benign to our knowledge; In silico analysis suggests this variant may impact gene splicing. In the absence of RNA/functional studies, the actual effect of this sequence change is unknown.

Quest Diagnostics Nichols Institute San Juan Capistrano
Classification: Uncertain significance. Last evaluated: 2023-10-06. Review status: criteria provided, single submitter. Criteria: Quest Diagnostics criteria. Collection method: clinical testing. Allele origin: unknown.

Ambry Genetics
Classification: Likely benign for Hereditary cancer-predisposing syndrome. Last evaluated: 2017-01-16. Review status: criteria provided, single submitter. Criteria: Ambry Variant Classification Scheme 2023. Collection method: clinical testing. Allele origin: germline.

NM_002691.4(POLD1):c.1449C>T (p.Gly483=)

Gene: POLD1 (DNA polymerase delta 1, catalytic subunit; plus strand). Cytogenetic location: 19q13.33.
Variant type: single nucleotide variant.
Coding change: c.1449C>T on transcript NM_002691.4 (MANE Select); coding-DNA position 1449, C replaced by T.
Protein change: p.Gly483=; no amino-acid change (glycine 483 retained).
Molecular consequence: synonymous variant. On other transcripts: non-coding transcript variant (1).
Genome position (GRCh38, 1-based): chr19:50,406,472, C>T. VCF-style: chr19-50406472-C-T. GRCh37 (hg19) VCF-style: chr19-50909729-C-T.
Other names: c.1449C>T, p.Gly483= (NM_001256849.1, NM_001308632.1).
Identifiers: ClinVar variation 239238 (VCV000239238.20), dbSNP rs878854522, ClinGen allele CA10583828.